The following is an entry in ClinVar:

NM_000051.4(ATM):c.2966C>G (p.Thr989Ser)

Gene: ATM (ATM serine/threonine kinase; plus strand). Cytogenetic location: 11q22.3.
Variant type: single nucleotide variant.
Coding change: c.2966C>G on transcript NM_000051.4 (MANE Select); coding-DNA position 2966, C replaced by G.
Protein change: p.Thr989Ser; replaces threonine 989 with serine.
Molecular consequence: missense variant.
Genome position (GRCh38, 1-based): chr11:108,271,295, C>G. VCF-style: chr11-108271295-C-G. GRCh37 (hg19) VCF-style: chr11-108142022-C-G.
Other names: c.2966C>G, p.Thr989Ser (NM_001351834.2); short protein forms T989S.
Identifiers: ClinVar variation 2098198 (VCV002098198.5), dbSNP rs2135552390, ClinGen allele CA382547252.

ClinVar aggregate classification (germline): Conflicting classifications of pathogenicity. Review status: criteria provided, conflicting classifications (1 of 4 stars). 2 submissions from 2 submitters: Uncertain significance (1); Likely benign (1). Last evaluated 2025-01-31.

Conditions:
Ataxia-telangiectasia syndrome (AT). Also called: Ataxia-telangiectasia, complementation group D; AT, COMPLEMENTATION GROUP C; ATAXIA-TELANGIECTASIA, COMPLEMENTATION GROUP A; ATAXIA-TELANGIECTASIA, FRESNO VARIANT; Ataxia telangiectasia (A-T); Ataxia-telangiectasia. Identifiers: Orphanet 100, MedGen C0004135, MONDO:0008840, OMIM 208900.
Hereditary cancer-predisposing syndrome. Also called: Tumor predisposition; Neoplastic Syndromes, Hereditary; Hereditary neoplastic syndrome; Hereditary Cancer Syndrome. Identifiers: Orphanet 140162, MedGen C0027672, MeSH D009386, MONDO:0015356.

Submissions (2):

Ambry Genetics
Classification: Likely benign for Hereditary cancer-predisposing syndrome. Last evaluated: 2025-01-31. Review status: criteria provided, single submitter. Criteria: Ambry Variant Classification Scheme 2023. Collection method: clinical testing. Allele origin: germline.

Labcorp Genetics (formerly Invitae), Labcorp
Classification: Uncertain significance for Ataxia-telangiectasia syndrome. Last evaluated: 2022-02-18. Review status: criteria provided, single submitter. Criteria: Invitae Variant Classification Sherloc (09022015). Collection method: clinical testing. Allele origin: germline.
Comment: In summary, the available evidence is currently insufficient to determine the role of this variant in disease. Therefore, it has been classified as a Variant of Uncertain Significance. Advanced modeling of protein sequence and biophysical properties (such as structural, functional, and spatial information, amino acid conservation, physicochemical variation, residue mobility, and thermodynamic stability) performed at Invitae indicates that this missense variant is not expected to disrupt ATM protein function. This variant has not been reported in the literature in individuals affected with ATM-related conditions. This variant is not present in population databases (gnomAD no frequency). This sequence change replaces threonine, which is neutral and polar, with serine, which is neutral and polar, at codon 989 of the ATM protein (p.Thr989Ser).